The following is an entry in ClinVar:

NM_052947.4(ALPK2):c.6010G>A (p.Gly2004Ser)

Gene: ALPK2 (alpha kinase 2; minus strand). Cytogenetic location: 18q21.31.
Variant type: single nucleotide variant.
Coding change: c.6010G>A on transcript NM_052947.4 (MANE Select); coding-DNA position 6010, G replaced by A.
Protein change: p.Gly2004Ser; replaces glycine 2004 with serine.
Molecular consequence: missense variant.
Genome position (GRCh38, 1-based): chr18:58,515,012, C>T on the plus strand (G>A on the coding strand, the complement: ALPK2 is on the minus strand). VCF-style: chr18-58515012-C-T. GRCh37 (hg19) VCF-style: chr18-56182244-C-T.
Other names: short protein forms G2004S.
Identifiers: ClinVar variation 1751078 (VCV001751078.3), dbSNP rs1471386390, ClinGen allele CA402546186.
Genomic context (GRCh38, chr18:58,515,012, plus strand): 5'-CGAGTCAGGAGTGTGACACAAGGCAGGGTAAACACACTTACTCAGGTACTTCTCCAAAGC[C>T]TTCCAGAGGCTGTGCTTCAGCAGCGTAGATCTTGGCATAATACCTGGCAGTATTTTGAAC-3'
Protein context (NP_443179.3, residues 1994-2014): IYAAEAQPLE[Gly2004Ser]FGEVPEIIPI

ClinVar aggregate classification (germline): Uncertain significance (1 of 4 stars; one submission).

Allele frequency attached by ClinVar (database versions not stated): TOPMed 0.00001.
gnomAD v4.1: 22 of 1,612,880 alleles (0.0014%); highest among the groups gnomAD compares: Non-Finnish European, 0.0018%; no homozygotes.

Submission:

Ambry Genetics
Classification: Uncertain significance. Last evaluated: 2024-05-20. Review status: criteria provided, single submitter. Criteria: Ambry Variant Classification Scheme 2023. Collection method: clinical testing. Allele origin: germline.
Comment: The p.G2004S variant (also known as c.6010G>A), located in coding exon 9 of the ALPK2 gene, results from a G to A substitution at nucleotide position 6010. The glycine at codon 2004 is replaced by serine, an amino acid with similar properties. This amino acid position is conserved. In addition, this alteration is predicted to be tolerated by in silico analysis. Since supporting evidence is limited at this time, the clinical significance of this alteration remains unclear.